The following is an entry in ClinVar:

ClinVar aggregate classification (germline): Uncertain significance (1 of 4 stars; one submission).

Conditions:
Charcot-Marie-Tooth disease axonal type 2O. Also called: CHARCOT-MARIE-TOOTH NEUROPATHY, AXONAL, TYPE 2O; CHARCOT-MARIE-TOOTH DISEASE, AXONAL, AUTOSOMAL DOMINANT, TYPE 2O; Charcot-Marie-Tooth Neuropathy Type 2O; Charcot-Marie-Tooth disease, axonal, type 20. Identifiers: Orphanet 284232, MedGen C3280220, MONDO:0013644, OMIM 614228.

Submission:

Labcorp Genetics (formerly Invitae), Labcorp
Classification: Uncertain significance for Charcot-Marie-Tooth disease axonal type 2O. Last evaluated: 2023-12-30. Review status: criteria provided, single submitter. Criteria: Invitae Variant Classification Sherloc (09022015). Collection method: clinical testing. Allele origin: germline.
Comment: This sequence change replaces threonine, which is neutral and polar, with lysine, which is basic and polar, at codon 3853 of the DYNC1H1 protein (p.Thr3853Lys). This variant is not present in population databases (gnomAD no frequency). This variant has not been reported in the literature in individuals affected with DYNC1H1-related conditions. Advanced modeling of protein sequence and biophysical properties (such as structural, functional, and spatial information, amino acid conservation, physicochemical variation, residue mobility, and thermodynamic stability) performed at Invitae indicates that this missense variant is not expected to disrupt DYNC1H1 protein function with a negative predictive value of 95%. In summary, the available evidence is currently insufficient to determine the role of this variant in disease. Therefore, it has been classified as a Variant of Uncertain Significance.

NM_001376.5(DYNC1H1):c.11558C>A (p.Thr3853Lys)

Gene: DYNC1H1 (dynein cytoplasmic 1 heavy chain 1; plus strand). Cytogenetic location: 14q32.31.
Variant type: single nucleotide variant.
Coding change: c.11558C>A on transcript NM_001376.5 (MANE Select); coding-DNA position 11558, C replaced by A.
Protein change: p.Thr3853Lys; replaces threonine 3853 with lysine.
Molecular consequence: missense variant.
Genome position (GRCh38, 1-based): chr14:102,039,509, C>A. VCF-style: chr14-102039509-C-A. GRCh37 (hg19) VCF-style: chr14-102505846-C-A.
Other names: short protein forms T3853K.
Identifiers: ClinVar variation 2726963 (VCV002726963.3), dbSNP rs1567021411, ClinGen allele CA391034724.